The following is an entry in ClinVar:

NM_145207.3(AFG2A):c.1761del (p.Asp588fs)

Gene: AFG2A (AAA ATPase AFG2A; plus strand). Cytogenetic location: 4q28.1.
Variant type: Deletion.
Coding change: c.1761del on transcript NM_145207.3 (MANE Select); coding-DNA position 1761, one base deleted (T; older notation c.1761delT).
Protein change: p.Asp588fs; shifts the reading frame from aspartic acid 588.
Molecular consequence: frameshift variant.
Genome position (GRCh38, 1-based): chr4:122,979,278, T deleted. VCF-style (leftmost placement, unchanged base first): chr4-122979277-CT-C. GRCh37 (hg19) VCF-style: chr4-123900432-CT-C.
Other names: c.1758del, p.Asp587fs (NM_001317799.2, NM_001345856.2); short protein forms D587fs, D588fs.
Identifiers: ClinVar variation 2125633 (VCV002125633.3), dbSNP rs2477396615, ClinGen allele CA2580071449.

ClinVar aggregate classification (germline): Pathogenic (1 of 4 stars; one submission).

Conditions:
Microcephaly-intellectual disability-sensorineural hearing loss-epilepsy-abnormal muscle tone syndrome (NEDHSB). Also called: NEURODEVELOPMENTAL DISORDER WITH HEARING LOSS, SEIZURES, AND BRAIN ABNORMALITIES. Identifiers: Orphanet 457351, MedGen C4225276, MONDO:0014698, OMIM 616577.

Submission:

Labcorp Genetics (formerly Invitae), Labcorp
Classification: Pathogenic for Microcephaly-intellectual disability-sensorineural hearing loss-epilepsy-abnormal muscle tone syndrome. Last evaluated: 2022-04-12. Review status: criteria provided, single submitter. Criteria: Invitae Variant Classification Sherloc (09022015). Collection method: clinical testing. Allele origin: germline.
Comment: This sequence change creates a premature translational stop signal (p.Asp588Metfs*8) in the SPATA5 gene. It is expected to result in an absent or disrupted protein product. Loss-of-function variants in SPATA5 are known to be pathogenic (PMID: 26299366). This variant is not present in population databases (gnomAD no frequency). This variant has not been reported in the literature in individuals affected with SPATA5-related conditions. For these reasons, this variant has been classified as Pathogenic.

Literature cited by the submitters: PubMed 26299366.